The following is an entry in ClinVar:

NM_001184900.3(CARD8):c.439A>G (p.Lys147Glu)

Gene: CARD8 (caspase recruitment domain family member 8; minus strand). Cytogenetic location: 19q13.33.
Variant type: single nucleotide variant.
Coding change: c.439A>G on transcript NM_001184900.3 (MANE Select); coding-DNA position 439, A replaced by G.
Protein change: p.Lys147Glu; replaces lysine 147 with glutamic acid.
Molecular consequence: missense variant. On other transcripts: non-coding transcript variant (4).
Genome position (GRCh38, 1-based): chr19:48,231,763, T>C on the plus strand (A>G on the coding strand, the complement: CARD8 is on the minus strand). VCF-style: chr19-48231763-T-C. GRCh37 (hg19) VCF-style: chr19-48735020-T-C.
Other names: c.289A>G, p.Lys97Glu (NM_001184901.1, NM_001351783.2, NM_001351788.2 and 2 more transcripts); c.439A>G, p.Lys147Glu (NM_001184902.2, NM_001184903.1, NM_001351782.2); c.124A>G, p.Lys42Glu (NM_001351784.2, NM_001351787.2, NM_001351791.2 and 2 more transcripts); c.103A>G, p.Lys35Glu (NM_001351786.2); c.196A>G, p.Lys66Glu (NM_001351790.2); short protein forms K147E, K35E, K66E, K42E, K97E.
Identifiers: ClinVar variation 3679580 (VCV003679580.2).

ClinVar aggregate classification (germline): Uncertain significance (1 of 4 stars; one submission).

gnomAD v4.1: 2 of 1,614,044 alleles (0.00012%); highest among the groups gnomAD compares: Non-Finnish European, 0.000085%; no homozygotes.

Submission:

Labcorp Genetics (formerly Invitae), Labcorp
Classification: Uncertain significance. Last evaluated: 2024-03-01. Review status: criteria provided, single submitter. Criteria: Invitae Variant Classification Sherloc (09022015). Collection method: clinical testing. Allele origin: germline.
Comment: This sequence change replaces lysine, which is basic and polar, with glutamic acid, which is acidic and polar, at codon 97 of the CARD8 protein (p.Lys97Glu). This variant is present in population databases (rs768852030, gnomAD 0.002%). This variant has not been reported in the literature in individuals affected with CARD8-related conditions. Algorithms developed to predict the effect of missense changes on protein structure and function output the following: SIFT: "Not Available"; PolyPhen-2: "Benign"; Align-GVGD: "Not Available". The glutamic acid amino acid residue is found in multiple mammalian species, which suggests that this missense change does not adversely affect protein function. In summary, the available evidence is currently insufficient to determine the role of this variant in disease. Therefore, it has been classified as a Variant of Uncertain Significance.